The following is an entry in ClinVar:

ClinVar aggregate classification (germline): Uncertain significance (1 of 4 stars; one submission).

Conditions:
Rubinstein-Taybi syndrome (RSTS). Identifiers: Orphanet 783, MedGen C0035934, MONDO:0019188.

Submission:

Labcorp Genetics (formerly Invitae), Labcorp
Classification: Uncertain significance for Rubinstein-Taybi syndrome. Last evaluated: 2022-08-17. Review status: criteria provided, single submitter. Criteria: Invitae Variant Classification Sherloc (09022015). Collection method: clinical testing. Allele origin: germline.
Comment: Variants that disrupt the consensus splice site are a relatively common cause of aberrant splicing (PMID: 17576681, 9536098). Algorithms developed to predict the effect of sequence changes on RNA splicing suggest that this variant is not likely to affect RNA splicing. This sequence change falls in intron 4 of the CREBBP gene. It does not directly change the encoded amino acid sequence of the CREBBP protein. It affects a nucleotide within the consensus splice site. This variant is not present in population databases (gnomAD no frequency). This variant has not been reported in the literature in individuals affected with CREBBP-related conditions. In summary, the available evidence is currently insufficient to determine the role of this variant in disease. Therefore, it has been classified as a Variant of Uncertain Significance.

Literature cited by the submitters: PubMed 17576681; PubMed 9536098.

NM_004380.3(CREBBP):c.1216+4A>G

Gene: CREBBP (CREB binding lysine acetyltransferase; minus strand). Cytogenetic location: 16p13.3.
Variant type: single nucleotide variant.
Coding change: c.1216+4A>G on transcript NM_004380.3 (MANE Select); 4 bases into the intron after coding-DNA position 1216, A replaced by G.
Molecular consequence: intron variant.
Genome position (GRCh38, 1-based): chr16:3,793,382, T>C on the plus strand (A>G on the coding strand, the complement: CREBBP is on the minus strand). VCF-style: chr16-3793382-T-C. GRCh37 (hg19) VCF-style: chr16-3843383-T-C.
Other names: c.1216+4A>G (NM_001079846.1).
Identifiers: ClinVar variation 2024500 (VCV002024500.4), dbSNP rs2548463599, ClinGen allele CA2580091135.